The following is an entry in ClinVar:

ClinVar aggregate classification (germline): Pathogenic (1 of 4 stars; one submission).

Conditions:
Dilated cardiomyopathy 1DD (CMD1DD). Identifiers: Orphanet 154, MedGen C2750995, MONDO:0013168, OMIM 613172.

Submission:

Labcorp Genetics (formerly Invitae), Labcorp
Classification: Pathogenic for Dilated cardiomyopathy 1DD. Last evaluated: 2025-11-21. Review status: criteria provided, single submitter. Criteria: Invitae Variant Classification Sherloc (09022015). Collection method: clinical testing. Allele origin: germline.
Comment: This sequence change creates a premature translational stop signal (p.Glu264*) in the RBM20 gene. It is expected to result in an absent or disrupted protein product. Loss-of-function variants in RBM20 are known to be pathogenic (PMID: 20590677, 22004663, 38288598, 38510713, 40339755). This variant is not present in population databases (gnomAD no frequency). This variant has not been reported in the literature in individuals affected with RBM20-related conditions. ClinVar contains an entry for this variant (Variation ID: 3702164). For these reasons, this variant has been classified as Pathogenic.

Literature cited by the submitters: PubMed 20590677; PubMed 22004663; PubMed 38288598; PubMed 38510713; PubMed 40339755.

NM_001134363.3(RBM20):c.790G>T (p.Glu264Ter)

Gene: RBM20 (RNA binding motif protein 20; plus strand). Cytogenetic location: 10q25.2.
Variant type: single nucleotide variant.
Coding change: c.790G>T on transcript NM_001134363.3 (MANE Select); coding-DNA position 790, G replaced by T.
Protein change: p.Glu264Ter; replaces glutamic acid 264 with a stop codon.
Molecular consequence: nonsense.
Genome position (GRCh38, 1-based): chr10:110,781,399, G>T. VCF-style: chr10-110781399-G-T. GRCh37 (hg19) VCF-style: chr10-112541157-G-T.
Other names: short protein forms E264*.
Identifiers: ClinVar variation 3702164 (VCV003702164.2).